The following is an entry in ClinVar:

NM_005502.4(ABCA1):c.5044A>C (p.Ser1682Arg)

Gene: ABCA1 (ATP binding cassette subfamily A member 1; minus strand). Cytogenetic location: 9q31.1.
Variant type: single nucleotide variant.
Coding change: c.5044A>C on transcript NM_005502.4 (MANE Select); coding-DNA position 5044, A replaced by C.
Protein change: p.Ser1682Arg; replaces serine 1682 with arginine.
Molecular consequence: missense variant.
Genome position (GRCh38, 1-based): chr9:104,798,498, T>G on the plus strand (A>C on the coding strand, the complement: ABCA1 is on the minus strand). VCF-style: chr9-104798498-T-G. GRCh37 (hg19) VCF-style: chr9-107560779-T-G.
Other names: short protein forms S1682R.
Identifiers: ClinVar variation 1374986 (VCV001374986.6), dbSNP rs2118884664, ClinGen allele CA374314081.

ClinVar aggregate classification (germline): Uncertain significance (1 of 4 stars; one submission).

Allele frequency attached by ClinVar (database versions not stated): gnomAD exomes below 0.00001.
gnomAD v4.1: 1 of 1,614,212 alleles (0.000062%); highest among the groups gnomAD compares: Non-Finnish European, 0.000085%; no homozygotes.

Submission:

Labcorp Genetics (formerly Invitae), Labcorp
Classification: Uncertain significance. Last evaluated: 2022-10-24. Review status: criteria provided, single submitter. Criteria: Invitae Variant Classification Sherloc (09022015). Collection method: clinical testing. Allele origin: germline.
Comment: This sequence change replaces serine, which is neutral and polar, with arginine, which is basic and polar, at codon 1682 of the ABCA1 protein (p.Ser1682Arg). This variant is not present in population databases (gnomAD no frequency). This variant has not been reported in the literature in individuals affected with ABCA1-related conditions. ClinVar contains an entry for this variant (Variation ID: 1374986). Advanced modeling of protein sequence and biophysical properties (such as structural, functional, and spatial information, amino acid conservation, physicochemical variation, residue mobility, and thermodynamic stability) performed at Invitae indicates that this missense variant is not expected to disrupt ABCA1 protein function. In summary, the available evidence is currently insufficient to determine the role of this variant in disease. Therefore, it has been classified as a Variant of Uncertain Significance.